The following is an entry in ClinVar:

ClinVar aggregate classification (germline): Uncertain significance. Review status: criteria provided, multiple submitters, no conflicts (2 of 4 stars). 2 submissions from 2 submitters: Uncertain significance (2). Last evaluated 2025-09-01.

Conditions:
Hereditary pancreatitis (PCTT). Also called: Hereditary chronic pancreatitis; PRSS1-Related Hereditary Pancreatitis. Identifiers: Orphanet 676, MedGen C0238339, MONDO:0008185, OMIM 167800.

gnomAD v4.1: 3 of 1,614,140 alleles (0.00019%); highest among the groups gnomAD compares: East Asian, 0.0045%; no homozygotes.

Submissions (2):

Ambry Genetics
Classification: Uncertain significance for Hereditary pancreatitis. Last evaluated: 2025-09-01. Review status: criteria provided, single submitter. Criteria: Ambry Variant Classification Scheme 2023. Collection method: clinical testing. Allele origin: germline.
Comment: The p.V220I variant (also known as c.658G>A), located in coding exon 6 of the CPA1 gene, results from a G to A substitution at nucleotide position 658. The valine at codon 220 is replaced by isoleucine, an amino acid with highly similar properties. This amino acid position is well conserved in available vertebrate species. In addition, this alteration is predicted to be tolerated by in silico analysis. Since supporting evidence is limited at this time, the clinical significance of this alteration remains unclear.

Labcorp Genetics (formerly Invitae), Labcorp
Classification: Uncertain significance. Last evaluated: 2022-12-15. Review status: criteria provided, single submitter. Criteria: Invitae Variant Classification Sherloc (09022015). Collection method: clinical testing. Allele origin: germline.
Comment: In summary, the available evidence is currently insufficient to determine the role of this variant in disease. Therefore, it has been classified as a Variant of Uncertain Significance. This variant is not present in population databases (gnomAD no frequency). Advanced modeling of protein sequence and biophysical properties (such as structural, functional, and spatial information, amino acid conservation, physicochemical variation, residue mobility, and thermodynamic stability) performed at Invitae indicates that this missense variant is not expected to disrupt CPA1 protein function. ClinVar contains an entry for this variant (Variation ID: 1754349). This variant has not been reported in the literature in individuals affected with CPA1-related conditions. This sequence change replaces valine, which is neutral and non-polar, with isoleucine, which is neutral and non-polar, at codon 220 of the CPA1 protein (p.Val220Ile).

NM_001868.4(CPA1):c.658G>A (p.Val220Ile)

Gene: CPA1 (carboxypeptidase A1; plus strand). Cytogenetic location: 7q32.2.
Variant type: single nucleotide variant.
Coding change: c.658G>A on transcript NM_001868.4 (MANE Select); coding-DNA position 658, G replaced by A.
Protein change: p.Val220Ile; replaces valine 220 with isoleucine.
Molecular consequence: missense variant.
Genome position (GRCh38, 1-based): chr7:130,383,756, G>A. VCF-style: chr7-130383756-G-A. GRCh37 (hg19) VCF-style: chr7-130023597-G-A.
Other names: short protein forms V220I.
Identifiers: ClinVar variation 1754349 (VCV001754349.7), dbSNP rs1554411595, ClinGen allele CA369282782.